The following is an entry in ClinVar:

NM_018670.4(MESP1):c.100C>G (p.Arg34Gly)

Genes: MESP1 (mesoderm posterior bHLH transcription factor 1; minus strand), LOC130057889 (ATAC-STARR-seq lymphoblastoid silent region 6804; plus strand). Cytogenetic location: 15q26.1.
Variant type: single nucleotide variant.
Coding change: c.100C>G on transcript NM_018670.4 (MANE Select); coding-DNA position 100, C replaced by G.
Protein change: p.Arg34Gly; replaces arginine 34 with glycine.
Molecular consequence: missense variant.
Genome position (GRCh38, 1-based): chr15:89,751,132, G>C on the plus strand (C>G on the coding strand, the complement: MESP1 is on the minus strand). VCF-style: chr15-89751132-G-C. GRCh37 (hg19) VCF-style: chr15-90294363-G-C.
Other names: c.100C>G (NM_018670.3); short protein forms R34G.
Identifiers: ClinVar variation 1579217 (VCV001579217.10), dbSNP rs202179989, ClinGen allele CA7730313.

ClinVar aggregate classification (germline): Benign. Review status: criteria provided, multiple submitters, no conflicts (2 of 4 stars). 3 submissions from 3 submitters: Benign (2). 1 of the submissions does not count toward it. Last evaluated 2025-12-19.

Conditions:
MESP1-related disorder. Also called: MESP1-related condition.

Allele frequency attached by ClinVar (database versions not stated): gnomAD exomes 0.00161; 1000 Genomes Project 30x 0.00828; ESP Exome Variant Server 0.00287; 1000 Genomes Project 0.00739; TOPMed 0.00982.
gnomAD v4.1: 2,104 of 1,278,954 alleles (0.16%); highest among the groups gnomAD compares: African/African-American, 2.9%; 36 homozygotes.

Submissions (3):

Labcorp Genetics (formerly Invitae), Labcorp
Classification: Benign. Last evaluated: 2025-12-19. Review status: criteria provided, single submitter. Criteria: Invitae Variant Classification Sherloc (09022015). Collection method: clinical testing. Allele origin: germline.

Breakthrough Genomics
Classification: Benign. Review status: criteria provided, single submitter. Criteria: ACMG Guidelines, 2015. Collection method: not provided. Allele origin: germline. Inheritance: Unknown mechanism. Affected: yes.

PreventionGenetics, part of Exact Sciences
Classification: Benign for MESP1-related condition. Last evaluated: 2019-06-28. Review status: no assertion criteria provided. Collection method: clinical testing. Allele origin: germline. Not counted in ClinVar's aggregate classification.
Comment: This variant is classified as benign based on ACMG/AMP sequence variant interpretation guidelines (Richards et al. 2015 PMID: 25741868, with internal and published modifications).